The following is an entry in ClinVar:

NM_001243133.2(NLRP3):c.10A>G (p.Thr4Ala)

Gene: NLRP3 (NLR family pyrin domain containing 3; plus strand). Cytogenetic location: 1q44.
Variant type: single nucleotide variant.
Coding change: c.10A>G on transcript NM_001243133.2 (MANE Select); coding-DNA position 10, A replaced by G.
Protein change: p.Thr4Ala; replaces threonine 4 with alanine.
Molecular consequence: missense variant.
Genome position (GRCh38, 1-based): chr1:247,418,810, A>G. VCF-style: chr1-247418810-A-G. GRCh37 (hg19) VCF-style: chr1-247582112-A-G.
Other names: c.10A>G, p.Thr4Ala (NM_001079821.3, NM_001127461.3, NM_001127462.3 and 1 more transcripts); c.16A>G, p.Thr6Ala (NM_004895.5); short protein forms T4A, T6A.
Identifiers: ClinVar variation 1708669 (VCV001708669.2), dbSNP rs2527203340, ClinGen allele CA345551654.

ClinVar aggregate classification (germline): Uncertain significance (1 of 4 stars; one submission).

Submission:

GeneDx
Classification: Uncertain significance. Last evaluated: 2022-04-04. Review status: criteria provided, single submitter. Criteria: GeneDx Variant Classification Process June 2021. Collection method: clinical testing. Allele origin: germline. Affected: yes.
Comment: Not observed at significant frequency in large population cohorts (gnomAD); In silico analysis supports that this missense variant does not alter protein structure/function; Has not been previously published as pathogenic or benign to our knowledge; Also known as p.T4A